The following is an entry in ClinVar:

ClinVar aggregate classification (germline): Conflicting classifications of pathogenicity. Review status: criteria provided, conflicting classifications (1 of 4 stars). 2 submissions from 2 submitters: Uncertain significance (1); Likely benign (1). Last evaluated 2025-10-07.

Conditions:
Familial cancer of breast. Also called: hereditary breast carcinoma; Hereditary breast cancer; BREAST CANCER, FAMILIAL. Identifiers: Orphanet 227535, MedGen C0346153, MONDO:0016419, OMIM 114480. Disease mechanism: loss of function.
Hereditary cancer-predisposing syndrome. Also called: Tumor predisposition; Hereditary neoplastic syndrome; Neoplastic Syndromes, Hereditary; Hereditary Cancer Syndrome. Identifiers: Orphanet 140162, MedGen C0027672, MeSH D009386, MONDO:0015356.

Submissions (2):

Labcorp Genetics (formerly Invitae), Labcorp
Classification: Uncertain significance for Familial cancer of breast. Last evaluated: 2025-10-07. Review status: criteria provided, single submitter. Criteria: Invitae Variant Classification Sherloc (09022015). Collection method: clinical testing. Allele origin: germline.
Comment: This sequence change replaces arginine, which is basic and polar, with lysine, which is basic and polar, at codon 147 of the PALB2 protein (p.Arg147Lys). This variant is not present in population databases (gnomAD no frequency). This variant has not been reported in the literature in individuals affected with PALB2-related conditions. ClinVar contains an entry for this variant (Variation ID: 1499335). An algorithm developed to predict the effect of missense changes on protein structure and function outputs the following: PolyPhen-2: "Benign". The lysine amino acid residue is found in multiple mammalian species, which suggests that this missense change does not adversely affect protein function. In summary, the available evidence is currently insufficient to determine the role of this variant in disease. Therefore, it has been classified as a Variant of Uncertain Significance.

Ambry Genetics
Classification: Likely benign for Hereditary cancer-predisposing syndrome. Last evaluated: 2025-08-11. Review status: criteria provided, single submitter. Criteria: Ambry Variant Classification Scheme 2023. Collection method: clinical testing. Allele origin: germline.

NM_024675.4(PALB2):c.440G>A (p.Arg147Lys)

Gene: PALB2 (partner and localizer of BRCA2; minus strand). Cytogenetic location: 16p12.2.
Variant type: single nucleotide variant.
Coding change: c.440G>A on transcript NM_024675.4 (MANE Select); coding-DNA position 440, G replaced by A.
Protein change: p.Arg147Lys; replaces arginine 147 with lysine.
Molecular consequence: missense variant.
Genome position (GRCh38, 1-based): chr16:23,636,106, C>T on the plus strand (G>A on the coding strand, the complement: PALB2 is on the minus strand). VCF-style: chr16-23636106-C-T. GRCh37 (hg19) VCF-style: chr16-23647427-C-T.
Other names: c.440G>A (NM_024675.3); short protein forms R147K.
Identifiers: ClinVar variation 1499335 (VCV001499335.8), dbSNP rs1597099275, ClinGen allele CA395137264.